The following is an entry in ClinVar:

NM_001148.6(ANK2):c.6665C>A (p.Thr2222Asn)

Gene: ANK2 (ankyrin 2; plus strand). Cytogenetic location: 4q26.
Variant type: single nucleotide variant.
Coding change: c.6665C>A on transcript NM_001148.6 (MANE Select); coding-DNA position 6665, C replaced by A.
Protein change: p.Thr2222Asn; replaces threonine 2222 with asparagine.
Molecular consequence: missense variant. On other transcripts: intron variant (68).
Genome position (GRCh38, 1-based): chr4:113,355,283, C>A. VCF-style: chr4-113355283-C-A. GRCh37 (hg19) VCF-style: chr4-114276439-C-A.
Other names: c.6431C>A, p.Thr2144Asn (NM_001386142.1); c.3065C>A, p.Thr1022Asn (NM_001386166.1); c.6806C>A, p.Thr2269Asn (NM_001386174.1); c.6782C>A, p.Thr2261Asn (NM_001386175.1); c.4411+5034C>A (NM_001386186.2, NM_001386148.2); c.4213+5034C>A (NM_001354269.3); c.4291+5034C>A (NM_001386187.2); c.4252+5034C>A (NM_001386147.1); and 35 more; short protein forms T2144N, T2261N, T2222N, T2269N, T1022N.
Identifiers: ClinVar variation 2249325 (VCV002249325.3), dbSNP rs1385810239, ClinGen allele CA357924941.
Genomic context (GRCh38, chr4:113,355,283, plus strand): 5'-CTGAAAGCCTAAAGAATGAGGGGGTAGCCGGCTCTCCGTGTGGCAGCCTGATGGAGGGGA[C>A]CCCTCAGATTAGTTCAGAAGAAAGCTATAAGCATGAAGGCCTAGCAGAGACCCCTGAGAC-3'
Protein context (NP_001139.3, residues 2212-2232): GSPCGSLMEG[Thr2222Asn]PQISSEESYK

ClinVar aggregate classification (germline): Uncertain significance (1 of 4 stars; one submission).

Conditions:
Cardiovascular phenotype. Identifiers: MedGen CN230736.

Allele frequency attached by ClinVar (database versions not stated): gnomAD exomes below 0.00001; gnomAD 0.00001.
gnomAD v4.1: 2 of 1,613,840 alleles (0.00012%); highest among the groups gnomAD compares: Non-Finnish European, 0.00017%; no homozygotes.

Submission:

Ambry Genetics
Classification: Uncertain significance for Cardiovascular phenotype. Last evaluated: 2025-02-09. Review status: criteria provided, single submitter. Criteria: Ambry Variant Classification Scheme 2023. Collection method: clinical testing. Allele origin: germline.
Comment: The p.T2222N variant (also known as c.6665C>A), located in coding exon 38 of the ANK2 gene, results from a C to A substitution at nucleotide position 6665. The threonine at codon 2222 is replaced by asparagine, an amino acid with similar properties. This amino acid position is conserved. In addition, this alteration is predicted to be tolerated by in silico analysis. Based on the available evidence, the clinical significance of this variant remains unclear.